The following is an entry in ClinVar:

ClinVar aggregate classification (germline): Benign/Likely benign. Review status: criteria provided, multiple submitters, no conflicts (2 of 4 stars). 8 submissions from 8 submitters: Benign (3); Likely benign (1). 4 of the submissions do not count toward it. Last evaluated 2026-02-03.

Conditions:
LAMC3-related disorder. Also called: LAMC3-related condition.

Allele frequency attached by ClinVar (database versions not stated): 1000 Genomes Project 30x 0.00999; 1000 Genomes Project 0.01018; TOPMed 0.01896; gnomAD 0.01902 and 0.01906; gnomAD exomes 0.02030; ExAC 0.02075; ESP Exome Variant Server 0.02230.
gnomAD v4.1: 42,446 of 1,614,058 alleles (2.6%); highest among the groups gnomAD compares: Non-Finnish European, 3.1%; 634 homozygotes.

Submissions (8):

Labcorp Genetics (formerly Invitae), Labcorp
Classification: Benign. Last evaluated: 2026-02-03. Review status: criteria provided, single submitter. Criteria: Invitae Variant Classification Sherloc (09022015). Collection method: clinical testing. Allele origin: germline.

Blueprint Genetics
Classification: Likely benign. Last evaluated: 2024-11-27. Review status: criteria provided, single submitter. Criteria: ACMG Guidelines, 2015. Collection method: clinical testing. Allele origin: germline.

GeneDx
Classification: Benign. Last evaluated: 2014-03-21. Review status: criteria provided, single submitter. Criteria: GeneDx Variant Classification (06012015). Collection method: clinical testing. Allele origin: germline. Affected: yes.
Comment: This variant is considered likely benign or benign based on one or more of the following criteria: it is a conservative change, it occurs at a poorly conserved position in the protein, it is predicted to be benign by multiple in silico algorithms, and/or has population frequency not consistent with disease.

Breakthrough Genomics
Classification: Benign. Review status: criteria provided, single submitter. Criteria: ACMG Guidelines, 2015. Collection method: not provided. Allele origin: germline. Inheritance: Autosomal recessive inheritance. Affected: yes.

PreventionGenetics, part of Exact Sciences
Classification: Benign for LAMC3-related condition. Last evaluated: 2019-04-18. Review status: no assertion criteria provided. Collection method: clinical testing. Allele origin: germline. Not counted in ClinVar's aggregate classification.
Comment: This variant is classified as benign based on ACMG/AMP sequence variant interpretation guidelines (Richards et al. 2015 PMID: 25741868, with internal and published modifications).

Clinical Genetics DNA and cytogenetics Diagnostics Lab, Erasmus MC, Erasmus Medical Center
Classification: Benign. Review status: no assertion criteria provided. Collection method: clinical testing. Allele origin: germline. Affected: yes. Study: VKGL Data-share Consensus. Not counted in ClinVar's aggregate classification.

Genetic Services Laboratory, University of Chicago
Classification: Likely benign for AllHighlyPenetrant. Review status: no assertion criteria provided. Collection method: clinical testing. Allele origin: germline. Inheritance: X-linked inheritance. Not counted in ClinVar's aggregate classification.
Comment: Likely benign based on allele frequency in 1000 Genomes Project or ESP global frequency and its presence in a patient with a rare or unrelated disease phenotype. NOT Sanger confirmed.

Genome Diagnostics Laboratory, Amsterdam University Medical Center
Classification: Benign. Review status: no assertion criteria provided. Collection method: clinical testing. Allele origin: germline. Affected: yes. Study: VKGL Data-share Consensus. Not counted in ClinVar's aggregate classification.

NM_006059.4(LAMC3):c.2559C>T (p.Ser853=)

Gene: LAMC3 (laminin subunit gamma 3; plus strand). Cytogenetic location: 9q34.12.
Variant type: single nucleotide variant.
Coding change: c.2559C>T on transcript NM_006059.4 (MANE Select); coding-DNA position 2559, C replaced by T.
Protein change: p.Ser853=; no amino-acid change (serine 853 retained).
Molecular consequence: synonymous variant.
Genome position (GRCh38, 1-based): chr9:131,067,171, C>T. VCF-style: chr9-131067171-C-T. GRCh37 (hg19) VCF-style: chr9-133942558-C-T.
Other names: p.S853S:AGC>AGT.
Identifiers: ClinVar variation 129457 (VCV000129457.19), dbSNP rs34652877, ClinGen allele CA153482.